The following is an entry in ClinVar:

NM_006279.5(ST3GAL3):c.1023G>A (p.Met341Ile)

Gene: ST3GAL3 (ST3 beta-galactoside alpha-2,3-sialyltransferase 3; plus strand). Cytogenetic location: 1p34.1.
Variant type: single nucleotide variant.
Coding change: c.1023G>A on transcript NM_006279.5 (MANE Select); coding-DNA position 1023, G replaced by A.
Protein change: p.Met341Ile; replaces methionine 341 with isoleucine.
Molecular consequence: missense variant. On other transcripts: non-coding transcript variant (6), intron variant (11).
Genome position (GRCh38, 1-based): chr1:43,920,913, G>A. VCF-style: chr1-43920913-G-A. GRCh37 (hg19) VCF-style: chr1-44386585-G-A.
Other names: c.933G>A, p.Met311Ile (NM_001270459.2); c.930G>A, p.Met310Ile (NM_001270460.2); c.1068G>A, p.Met356Ile (NM_001350619.2, NM_174964.4); c.1023G>A, p.Met341Ile (NM_001350620.2); c.744G>A, p.Met248Ile (NM_001350621.2); c.1230G>A, p.Met410Ile (NM_174963.5); c.1185G>A, p.Met395Ile (NM_174968.5); c.975G>A, p.Met325Ile (NM_174969.4); and 12 more; short protein forms M310I, M356I, M248I, M311I, M325I, M341I, M395I, M379I.
Identifiers: ClinVar variation 1415633 (VCV001415633.9), dbSNP rs895326720, ClinGen allele CA21671097.
Genomic context (GRCh38, chr1:43,920,913, plus strand): 5'-ATTTGGCTATGACATGAGCACACCCAACGCACCCCTGCACTACTATGAGACCGTTCGCAT[G>A]GCAGCCATCAAAGAGGTTCGGGGCTGGGTATGGGGGCAATCCCTGGGTGGGGATGAGGGG-3'
Protein context (NP_006270.1, residues 331-351): APLHYYETVR[Met341Ile]AAIKESWTHN

ClinVar aggregate classification (germline): Uncertain significance. Review status: criteria provided, multiple submitters, no conflicts (2 of 4 stars). 2 submissions from 2 submitters: Uncertain significance (2). Last evaluated 2023-09-25.

Conditions:
Inborn genetic diseases. Identifiers: MedGen C0950123, MeSH D030342.
Early-infantile DEE. Also called: Ohtahara syndrome; Early infantile epileptic encephalopathy with suppression bursts; Early infantile epileptic encephalopathy. Identifiers: Orphanet 1934, MedGen C0393706, MONDO:0800491.

Allele frequency attached by ClinVar (database versions not stated): gnomAD exomes below 0.00001; TOPMed 0.00002; gnomAD 0.00002.
gnomAD v4.1: 6 of 1,613,200 alleles (0.00037%); highest among the groups gnomAD compares: African/African-American, 0.0067%; no homozygotes.

Submissions (2):

Labcorp Genetics (formerly Invitae), Labcorp
Classification: Uncertain significance for Early-infantile DEE. Last evaluated: 2023-09-25. Review status: criteria provided, single submitter. Criteria: Invitae Variant Classification Sherloc (09022015). Collection method: clinical testing. Allele origin: germline.
Comment: This sequence change replaces methionine, which is neutral and non-polar, with isoleucine, which is neutral and non-polar, at codon 341 of the ST3GAL3 protein (p.Met341Ile). This variant is present in population databases (no rsID available, gnomAD 0.02%). This variant has not been reported in the literature in individuals affected with ST3GAL3-related conditions. ClinVar contains an entry for this variant (Variation ID: 1415633). Advanced modeling of protein sequence and biophysical properties (such as structural, functional, and spatial information, amino acid conservation, physicochemical variation, residue mobility, and thermodynamic stability) performed at Invitae indicates that this missense variant is not expected to disrupt ST3GAL3 protein function. In summary, the available evidence is currently insufficient to determine the role of this variant in disease. Therefore, it has been classified as a Variant of Uncertain Significance.

Ambry Genetics
Classification: Uncertain significance for Inborn genetic diseases. Last evaluated: 2019-03-21. Review status: criteria provided, single submitter. Criteria: Ambry Variant Classification Scheme 2023. Collection method: clinical testing. Allele origin: germline.
Comment: The p.M341I variant (also known as c.1023G>A), located in coding exon 10 of the ST3GAL3 gene, results from a G to A substitution at nucleotide position 1023. The methionine at codon 341 is replaced by isoleucine, an amino acid with highly similar properties. This amino acid position is highly conserved in available vertebrate species. In addition, the in silico prediction for this alteration is inconclusive. Since supporting evidence is limited at this time, the clinical significance of this alteration remains unclear.